The following is an entry in ClinVar:

NM_006767.4(LZTR1):c.698T>C (p.Val233Ala)

Gene: LZTR1 (leucine zipper like post translational regulator 1; plus strand). Cytogenetic location: 22q11.21.
Variant type: single nucleotide variant.
Coding change: c.698T>C on transcript NM_006767.4 (MANE Select); coding-DNA position 698, T replaced by C.
Protein change: p.Val233Ala; replaces valine 233 with alanine.
Molecular consequence: missense variant.
Genome position (GRCh38, 1-based): chr22:20,990,432, T>C. VCF-style: chr22-20990432-T-C. GRCh37 (hg19) VCF-style: chr22-21344721-T-C.
Other names: short protein forms V233A.
Identifiers: ClinVar variation 4859389 (VCV004859389.1).
Genomic context (GRCh38, chr22:20,990,432, plus strand): 5'-CTCTCCCCCTGCAGGTGGCCCAGAGTGGCGAGATCCCCCCATCTTGCTGCAACTTCCCCG[T>C]GGCTGTGTGCCGGGACAAGATGTTTGTATTCTCTGGGCAAAGCGGAGCCAAAATAACCAA-3'
Protein context (NP_006758.2, residues 223-243): EIPPSCCNFP[Val233Ala]AVCRDKMFVF

ClinVar aggregate classification (germline): Uncertain significance (1 of 4 stars; one submission).

Conditions:
Cardiovascular phenotype. Identifiers: MedGen CN230736.
Hereditary cancer-predisposing syndrome. Also called: Neoplastic Syndromes, Hereditary; Tumor predisposition; Hereditary Cancer Syndrome; Hereditary neoplastic syndrome. Identifiers: Orphanet 140162, MedGen C0027672, MeSH D009386, MONDO:0015356.

Submission:

Ambry Genetics
Classification: Uncertain significance for Cardiovascular phenotype; Hereditary cancer-predisposing syndrome. Last evaluated: 2026-04-22. Review status: criteria provided, single submitter. Criteria: Ambry Variant Classification Scheme 2023. Collection method: clinical testing. Allele origin: germline.
Comment: The p.V233A variant (also known as c.698T>C), located in coding exon 8 of the LZTR1 gene, results from a T to C substitution at nucleotide position 698. The valine at codon 233 is replaced by alanine, an amino acid with similar properties. This amino acid position is conserved. In addition, this alteration is predicted to be tolerated by in silico analysis. Based on the available evidence, the clinical significance of this variant remains unclear.